The following is an entry in ClinVar:

NM_001148.6(ANK2):c.533C>T (p.Ala178Val)

Gene: ANK2 (ankyrin 2; plus strand). Cytogenetic location: 4q26.
Variant type: single nucleotide variant.
Coding change: c.533C>T on transcript NM_001148.6 (MANE Select); coding-DNA position 533, C replaced by T.
Protein change: p.Ala178Val; replaces alanine 178 with valine.
Molecular consequence: missense variant.
Genome position (GRCh38, 1-based): chr4:113,237,036, C>T. VCF-style: chr4-113237036-C-T. GRCh37 (hg19) VCF-style: chr4-114158192-C-T.
Other names: c.470C>T, p.Ala157Val (NM_001127493.3, NM_001354239.2, NM_001354243.2 and 33 more transcripts); c.533C>T, p.Ala178Val (NM_001354225.2, NM_001354228.2, NM_001354232.2 and 9 more transcripts); c.578C>T, p.Ala193Val (NM_001354230.2, NM_001354231.2, NM_001354237.2 and 5 more transcripts); c.515C>T, p.Ala172Val (NM_001354261.2, NM_001386147.1, NM_001386160.1); c.521C>T, p.Ala174Val (NM_001354269.3, NM_001386148.2, NM_001386186.2 and 1 more transcripts); c.584C>T, p.Ala195Val (NM_001386174.1, NM_001386175.1); short protein forms A174V, A193V, A157V, A172V, A178V, A195V.
Identifiers: ClinVar variation 930692 (VCV000930692.12), dbSNP rs901601971, ClinGen allele CA103795813.

ClinVar aggregate classification (germline): Uncertain significance. Review status: criteria provided, multiple submitters, no conflicts (2 of 4 stars). 3 submissions from 3 submitters: Uncertain significance (3). Last evaluated 2026-01-05.

Conditions:
Long QT syndrome (LQTS). Identifiers: MedGen C0023976, MeSH D008133, MONDO:0002442. Disease mechanism: loss of function. Inheritance: Various modes of inheritance.
Cardiac arrhythmia, ankyrin-B-related. Also called: ANKYRIN-B SYNDROME. Identifiers: Orphanet 101016, Orphanet 768, MedGen C1970119, MONDO:0010958, OMIM 600919.
Cardiovascular phenotype. Identifiers: MedGen CN230736.

Allele frequency attached by ClinVar (database versions not stated): gnomAD exomes 0.00001 and 0.00002; gnomAD 0.00002; TOPMed 0.00003.
gnomAD v4.1: 17 of 1,614,036 alleles (0.0011%); highest among the groups gnomAD compares: East Asian, 0.0022%; no homozygotes.

Submissions (3):

Labcorp Genetics (formerly Invitae), Labcorp
Classification: Uncertain significance for Long QT syndrome. Last evaluated: 2026-01-05. Review status: criteria provided, single submitter. Criteria: Invitae Variant Classification Sherloc (09022015). Collection method: clinical testing. Allele origin: germline.
Comment: This sequence change replaces alanine, which is neutral and non-polar, with valine, which is neutral and non-polar, at codon 178 of the ANK2 protein (p.Ala178Val). This variant is present in population databases (no rsID available, gnomAD 0.005%). This variant has not been reported in the literature in individuals affected with ANK2-related conditions. ClinVar contains an entry for this variant (Variation ID: 930692). An algorithm developed to predict the effect of missense changes on protein structure and function (PolyPhen-2) suggests that this variant is likely to be disruptive. In summary, the available evidence is currently insufficient to determine the role of this variant in disease. Therefore, it has been classified as a Variant of Uncertain Significance.

Ambry Genetics
Classification: Uncertain significance for Cardiovascular phenotype. Last evaluated: 2025-10-29. Review status: criteria provided, single submitter. Criteria: Ambry Variant Classification Scheme 2023. Collection method: clinical testing. Allele origin: germline.
Comment: The p.A178V variant (also known as c.533C>T), located in coding exon 6 of the ANK2 gene, results from a C to T substitution at nucleotide position 533. The alanine at codon 178 is replaced by valine, an amino acid with similar properties. This alteration has been reported in a hypertrophic cardiomyopathy (HCM) cohort; however, clinical details were limited (Lopes LR et al. Heart, 2015 Feb;101:294-301). This amino acid position is not well conserved in available vertebrate species, and valine is the reference amino acid in other vertebrate species. In addition, this alteration is predicted to be tolerated by in silico analysis. Since supporting evidence is limited at this time, the clinical significance of this alteration remains unclear.

Centre for Mendelian Genomics, University Medical Centre Ljubljana
Classification: Uncertain significance for Cardiac arrhythmia, ankyrin-B-related. Last evaluated: 2020-02-13. Review status: criteria provided, single submitter. Criteria: ACMG Guidelines, 2015. Collection method: clinical testing. Allele origin: unknown. Affected: yes.
Comment: This variant was classified as: Uncertain significance. The available evidence on this variant's pathogenicity is insufficient or conflicting. The following ACMG criteria were applied in classifying this variant: PM2.

Literature cited by the submitters: PubMed 25351510 (cited by Ambry Genetics).